The following is an entry in ClinVar:

ClinVar aggregate classification (germline): Conflicting classifications of pathogenicity. Review status: criteria provided, conflicting classifications (1 of 4 stars). 9 submissions from 9 submitters: Uncertain significance (2); Likely benign (4). 3 of the submissions do not count toward it. Last evaluated 2026-02-03.

Conditions:
Hereditary cancer-predisposing syndrome. Also called: Hereditary Cancer Syndrome; Neoplastic Syndromes, Hereditary; Hereditary neoplastic syndrome; Tumor predisposition. Identifiers: Orphanet 140162, MedGen C0027672, MeSH D009386, MONDO:0015356.
Hereditary breast ovarian cancer syndrome. Also called: Breast and ovarian cancer; Hereditary breast and/or ovarian cancer syndrome; Hereditary breast and ovarian cancer; Hereditary breast and ovarian cancer syndrome; Hereditary breast and ovarian cancer syndrome (HBOC); BRCA1- and BRCA2-Associated Hereditary Breast and Ovarian Cancer. Identifiers: Orphanet 145, MedGen C0677776, MeSH D061325, MONDO:0003582. Disease mechanism: loss of function.
Breast-ovarian cancer, familial, susceptibility to, 2 (BROVCA2). Also called: BRCA2 Hereditary Breast and Ovarian Cancer. Identifiers: Orphanet 145, MedGen C2675520, MONDO:0012933, OMIM 612555. Disease mechanism: loss of function.
Familial cancer of breast. Also called: Hereditary breast cancer; BREAST CANCER, FAMILIAL; hereditary breast carcinoma. Identifiers: Orphanet 227535, MedGen C0346153, MONDO:0016419, OMIM 114480. Disease mechanism: loss of function.

Allele frequency attached by ClinVar (database versions not stated): gnomAD exomes below 0.00001.
gnomAD v4.1: 1 of 1,562,542 alleles (0.000064%); highest among the groups gnomAD compares: Middle Eastern, 0.017%; no homozygotes.

Submissions (9):

Labcorp Genetics (formerly Invitae), Labcorp
Classification: Likely benign for Hereditary breast ovarian cancer syndrome. Last evaluated: 2026-02-03. Review status: criteria provided, single submitter. Criteria: Invitae Variant Classification Sherloc (09022015). Collection method: clinical testing. Allele origin: germline.

Women's Health and Genetics/Laboratory Corporation of America, LabCorp
Classification: Likely benign. Last evaluated: 2025-04-21. Review status: criteria provided, single submitter. Criteria: LabCorp Variant Classification Summary - May 2015. Collection method: clinical testing. Allele origin: germline.
Comment: Variant summary: BRCA2 c.631+7A>G alters a non-conserved nucleotide located at a position not widely known to affect splicing. Consensus agreement among computation tools predict no significant impact on normal splicing. However, these predictions have yet to be confirmed by functional studies. The variant was absent in 248684 control chromosomes (gnomAD). The available data on variant occurrences in the general population are insufficient to allow any conclusion about variant significance. c.631+7A>G has been reported in the literature in at least an individual affected with breast cancer (Tung_2015). This report, however does not provide unequivocal conclusions about association of the variant with Hereditary Breast And Ovarian Cancer Syndrome. Co-occurrence with other pathogenic variant have been reported (BRCA1 c.68_69delAG; internal testing), providing supporting evidence for a benign role. To our knowledge, no experimental evidence demonstrating an impact on protein function has been reported. The following publication has been ascertained in the context of this evaluation (PMID: 25186627). ClinVar contains an entry for this variant (Variation ID: 96835). Based on the evidence outlined above, the variant was classified as likely benign.

Center for Genomic Medicine, Rigshospitalet, Copenhagen University Hospital
Classification: Likely benign. Last evaluated: 2025-03-04. Review status: criteria provided, single submitter. Criteria: ACMG Guidelines, 2015. Collection method: clinical testing. Allele origin: germline.

MGZ Medical Genetics Center
Classification: Likely benign for Familial cancer of breast. Last evaluated: 2024-02-09. Review status: criteria provided, single submitter. Criteria: CSpec BRCA1/2ACMG Rules Specifications V1.1.0. Collection method: clinical testing. Allele origin: germline. Affected: yes.
Comment: ACMG codes applied following ENIGMA VCEP rules: BP7_STR, PM2_SUP

Quest Diagnostics Nichols Institute San Juan Capistrano
Classification: Uncertain significance. Last evaluated: 2023-06-27. Review status: criteria provided, single submitter. Criteria: Quest Diagnostics criteria. Collection method: clinical testing. Allele origin: unknown.
Comment: In the published literature, this variant has been reported in an individual with breast cancer (PMID: 25186627 (2015)). This variant has not been reported in large, multi-ethnic general populations (Genome Aggregation Database). Analysis of this variant using software algorithms for the prediction of the effect of nucleotide changes on splicing yielded predictions that this variant does not affect BRCA2 mRNA splicing . Based on the available information, we are unable to determine the clinical significance of this variant.

Color Diagnostics, LLC DBA Color Health
Classification: Uncertain significance for Hereditary cancer-predisposing syndrome. Last evaluated: 2019-07-25. Review status: criteria provided, single submitter. Criteria: ACMG Guidelines, 2015. Collection method: clinical testing. Allele origin: germline.
Comment: This variant causes an A>G nucleotide substitution at the +7 position of intron 7 of the BRCA2 gene. To our knowledge, functional assays have not been performed for this variant nor has this variant been reported in individuals affected with hereditary cancer in the literature. This variant has not been identified in the general population by the Genome Aggregation Database (gnomAD). Available evidence is insufficient to determine the role of this variant in disease conclusively. Therefore, this variant is classified as a Variant of Uncertain Significance.

Counsyl
Classification: Uncertain significance for Breast-ovarian cancer, familial, susceptibility to, 2. Last evaluated: 2016-08-16. Review status: no assertion criteria provided. Collection method: clinical testing. Allele origin: unknown. Not counted in ClinVar's aggregate classification.

Sharing Clinical Reports Project (SCRP)
Classification: Uncertain significance for Breast-ovarian cancer, familial 2. Last evaluated: 2012-06-05. Review status: no assertion criteria provided. Collection method: clinical testing. Allele origin: germline. Not counted in ClinVar's aggregate classification.

Department of Pathology and Laboratory Medicine, Sinai Health System
Classification: Uncertain significance. Review status: no assertion criteria provided. Collection method: clinical testing. Allele origin: unknown. Affected: yes. Study: The Canadian Open Genetics Repository (COGR). Not counted in ClinVar's aggregate classification.
Comment: The BRCA2 c.631+7A>G, variant was not identified in the literature but was identified in dbSNP (ID: rs431825339) as â€šÃ„ÃºWith uncertain significance alleleâ€šÃ„Ã¹ and also in Clinvar with uncertain significance. The variant was not identified in 1000 Genomes Project, NHLBI Exome Sequencing Project, Exome Aggregation Consortium, HGMD, Fanconi Anemia Mutation Database (LOVD), COSMIC, ARUP Laboratories BRCA Mutations Database, BIC or UMD. The variant occurs outside of the splicing consensus sequence and 2 of 5 in silico or computational prediction software programs (SpliceSiteFinder, MaxEntScan, NNSPLICE, GeneSplicer, HumanSpliceFinder) predict a greater than 10% difference in splicing; this is not very predictive of pathogenicity. In summary, based on the above information, the clinical significance of this variant cannot be determined with certainty at this time. This variant is classified as a variant of uncertain significance

Literature cited by the submitters: PubMed 25186627 (cited by 3 submitters).

NM_000059.4(BRCA2):c.631+7A>G

Gene: BRCA2 (BRCA2 DNA repair associated; plus strand). Cytogenetic location: 13q13.1.
Variant type: single nucleotide variant.
Coding change: c.631+7A>G on transcript NM_000059.4 (MANE Select); 7 bases into the intron after coding-DNA position 631, A replaced by G.
Molecular consequence: intron variant.
Genome position (GRCh38, 1-based): chr13:32,326,620, A>G. VCF-style: chr13-32326620-A-G. GRCh37 (hg19) VCF-style: chr13-32900757-A-G.
Other names: IVS7+7A>G.
Identifiers: ClinVar variation 96835 (VCV000096835.25), dbSNP rs431825339, ClinGen allele CA023865.
Genomic context (GRCh38, chr13:32,326,620, plus strand): 5'-CTTGGTCAAGTTCTTTAGCTACACCACCCACCCTTAGTTCTACTGTGCTCATAGGTAATA[A>G]TAGCAAATGTGTATTTACAAGAAAGAGCAGATGAGGTTGATAATTGTCATCTCTAATACT-3'